The following is an entry in ClinVar:

NM_020975.6(RET):c.2488G>A (p.Gly830Arg)

Gene: RET (ret proto-oncogene; plus strand). Cytogenetic location: 10q11.21.
Variant type: single nucleotide variant.
Coding change: c.2488G>A on transcript NM_020975.6 (MANE Select); coding-DNA position 2488, G replaced by A.
Protein change: p.Gly830Arg; replaces glycine 830 with arginine.
Molecular consequence: missense variant.
Genome position (GRCh38, 1-based): chr10:43,119,626, G>A. VCF-style: chr10-43119626-G-A. GRCh37 (hg19) VCF-style: chr10-43615074-G-A.
Other names: c.2488G>A, p.Gly830Arg (NM_000323.2, NM_001406743.1, NM_001406744.1 and 4 more transcripts); c.1726G>A, p.Gly576Arg (NM_001355216.2); c.2359G>A, p.Gly787Arg (NM_001406761.1, NM_001406762.1, NM_001406764.1); c.2353G>A, p.Gly785Arg (NM_001406763.1, NM_001406765.1); c.2200G>A, p.Gly734Arg (NM_001406766.1, NM_001406767.1, NM_001406770.1); c.2224G>A, p.Gly742Arg (NM_001406768.1); c.2092G>A, p.Gly698Arg (NM_001406769.1, NM_001406772.1); c.2050G>A, p.Gly684Arg (NM_001406771.1, NM_001406773.1); and 10 more; short protein forms G830R, G576R, G491R, G531R, G734R, G785R, G787R, G435R.
Identifiers: ClinVar variation 372078 (VCV000372078.18), dbSNP rs200127630, ClinGen allele CA039416.

ClinVar aggregate classification (germline): Conflicting classifications of pathogenicity. Review status: criteria provided, conflicting classifications (1 of 4 stars). 8 submissions from 7 submitters: Uncertain significance (3); Benign (1); Likely benign (2). 2 of the submissions do not count toward it. Last evaluated 2025-12-28.

Conditions:
Hereditary cancer-predisposing syndrome. Also called: Tumor predisposition; Hereditary Cancer Syndrome; Hereditary neoplastic syndrome; Neoplastic Syndromes, Hereditary. Identifiers: Orphanet 140162, MedGen C0027672, MeSH D009386, MONDO:0015356.
Multiple endocrine neoplasia, type 2 (MEN2). Identifiers: Orphanet 653, MedGen C4048306, MONDO:0019003. Disease mechanism: gain of function.
Multiple endocrine neoplasia type 2B. Also called: WAGENMANN-FROBOESE SYNDROME; MULTIPLE ENDOCRINE NEOPLASIA, TYPE III; MULTIPLE ENDOCRINE NEOPLASIA, TYPE IIB; MEN IIB; NEUROMATA, MUCOSAL, WITH ENDOCRINE TUMORS; MEN 2B. Identifiers: Orphanet 247709, Orphanet 653, MedGen C0025269, MeSH D018814, MONDO:0008082, OMIM 162300.
Hirschsprung disease, susceptibility to, 1 (HSCR1). Also called: RET-Related Hirschsprung Disease. Identifiers: Orphanet 388, MedGen C3888239, MONDO:0007723, OMIM 142623.
Pheochromocytoma. Also called: MAX-Related Hereditary Paraganglioma-Pheochromocytoma Syndrome. Identifiers: Orphanet 29072, MedGen C0031511, MONDO:0008233, OMIM 171300, HP:0002666.
Familial medullary thyroid carcinoma (MTC). Also called: Thyroid cancer, familial medullary; MTC, familial; Familial Medullary Thyroid Carcinoma (FMTC). Identifiers: Orphanet 653, Orphanet 99361, MedGen C1833921, MONDO:0007958, OMIM 155240.
Multiple endocrine neoplasia type 2A. Also called: Multiple Endocrine Neoplasia Type 2A (MEN2A); MULTIPLE ENDOCRINE NEOPLASIA, TYPE IIA; PTC SYNDROME; SIPPLE SYNDROME; MEN 2A; MEN-2A syndrome. Identifiers: Orphanet 247698, Orphanet 653, MedGen C0025268, MeSH D018813, MONDO:0008234, OMIM 171400.
RET-related disorder. Also called: RET-related condition; RET-related disease; RET-related disorders.

Allele frequency attached by ClinVar (database versions not stated): gnomAD exomes 0.00001 and 0.00005; gnomAD 0.00002 and 0.00003; ExAC 0.00003; TOPMed 0.00005; 1000 Genomes Project 0.00020; 1000 Genomes Project 30x 0.00031.
gnomAD v4.1: 22 of 1,612,834 alleles (0.0014%); highest among the groups gnomAD compares: East Asian, 0.045%; no homozygotes.

Submissions (8):

Labcorp Genetics (formerly Invitae), Labcorp
Classification: Uncertain significance for Multiple endocrine neoplasia, type 2. Last evaluated: 2025-12-28. Review status: criteria provided, single submitter. Criteria: Invitae Variant Classification Sherloc (09022015). Collection method: clinical testing. Allele origin: germline.
Comment: This sequence change replaces glycine, which is neutral and non-polar, with arginine, which is basic and polar, at codon 830 of the RET protein (p.Gly830Arg). This variant is present in population databases (rs200127630, gnomAD 0.05%). This missense change has been observed in individual(s) with Hirschsprung disease (PMID: 22174939, 38253735). ClinVar contains an entry for this variant (Variation ID: 372078). An algorithm developed to predict the effect of missense changes on protein structure and function outputs the following: PolyPhen-2: "Benign". The arginine amino acid residue is found in multiple mammalian species, which suggests that this missense change does not adversely affect protein function. In summary, the available evidence is currently insufficient to determine the role of this variant in disease. Therefore, it has been classified as a Variant of Uncertain Significance.

PreventionGenetics, part of Exact Sciences
Classification: Uncertain significance for RET-related condition. Last evaluated: 2025-12-01. Review status: criteria provided, single submitter. Criteria: ACMG Guidelines, 2015. Collection method: clinical testing. Allele origin: germline.
Comment: The RET c.2488G>A variant is predicted to result in the amino acid substitution p.Gly830Arg. This variant has been reported in an individual with Hirschsprung disease (Table S4, So et al. 2011. PubMed ID: 22174939); however in another study, this variant was only detected in the control group (Supplementary Table 4, Tang et al. 2018. PubMed ID: 30217742). This variant is reported in 0.071% of alleles in individuals of East Asian descent in gnomAD and has conflicting interpretations regarding its pathogenicity in ClinVar, ranging from benign to uncertain (Variation ID: 372078). Although we suspect that this variant may be benign, at this time, the clinical significance of this variant is uncertain due to the absence of conclusive functional and genetic evidence.

Myriad Genetics, Inc.
Classification: Likely benign for Multiple endocrine neoplasia type 2A. Last evaluated: 2024-08-13. Review status: criteria provided, single submitter. Criteria: Myriad Autosomal Dominant, Autosomal Recessive and X-Linked Classification Criteria (2023). Collection method: clinical testing. Allele origin: unknown.
Comment: This variant is considered likely benign. This variant has been observed at a population frequency that is significantly greater than expected given the associated disease prevalence and penetrance.

Color Diagnostics, LLC DBA Color Health
Classification: Likely benign for Multiple endocrine neoplasia, type 2. Last evaluated: 2023-03-22. Review status: criteria provided, single submitter. Criteria: ACMG Guidelines, 2015. Collection method: clinical testing. Allele origin: germline.

Ambry Genetics
Classification: Benign for Hereditary cancer-predisposing syndrome. Last evaluated: 2022-04-19. Review status: criteria provided, single submitter. Criteria: Ambry Variant Classification Scheme 2023. Collection method: clinical testing. Allele origin: germline.

Fulgent Genetics
Classification: Uncertain significance for Hirschsprung disease, susceptibility to, 1; Familial medullary thyroid carcinoma; Multiple endocrine neoplasia type 2B; Pheochromocytoma; Multiple endocrine neoplasia type 2A. Last evaluated: 2022-03-09. Review status: criteria provided, single submitter. Criteria: ACMG Guidelines, 2015. Collection method: clinical testing. Allele origin: unknown.

Counsyl
Classification: Uncertain significance for Multiple endocrine neoplasia type 2B. Last evaluated: 2015-12-01. Review status: no assertion criteria provided. Collection method: clinical testing. Allele origin: unknown. Not counted in ClinVar's aggregate classification.

Counsyl
Classification: Uncertain significance for Multiple endocrine neoplasia type 2A. Last evaluated: 2015-12-01. Review status: no assertion criteria provided. Collection method: clinical testing. Allele origin: unknown. Not counted in ClinVar's aggregate classification.

Literature cited by the submitters: PubMed 22174939 (cited by 3 submitters); PubMed 38253735 (cited by Labcorp Genetics (formerly Invitae), Labcorp); PubMed 30217742 (cited by Ambry Genetics); PubMed 24336963 (cited by Counsyl).